The following is an entry in ClinVar:

ClinVar aggregate classification (germline): Uncertain significance (1 of 4 stars; one submission).

Allele frequency attached by ClinVar (database versions not stated): gnomAD exomes below 0.00001.
gnomAD v4.1: 2 of 1,613,280 alleles (0.00012%); highest among the groups gnomAD compares: Admixed American, 0.0017%; no homozygotes.

Submission:

Labcorp Genetics (formerly Invitae), Labcorp
Classification: Uncertain significance. Last evaluated: 2025-11-03. Review status: criteria provided, single submitter. Criteria: Invitae Variant Classification Sherloc (09022015). Collection method: clinical testing. Allele origin: germline.
Comment: This sequence change replaces proline, which is neutral and non-polar, with leucine, which is neutral and non-polar, at codon 1163 of the RAI1 protein (p.Pro1163Leu). This variant is not present in population databases (gnomAD no frequency). This variant has not been reported in the literature in individuals affected with RAI1-related conditions. ClinVar contains an entry for this variant (Variation ID: 2120637). Invitae Evidence Modeling of protein sequence and biophysical properties (such as structural, functional, and spatial information, amino acid conservation, physicochemical variation, residue mobility, and thermodynamic stability) indicates that this missense variant is not expected to disrupt RAI1 protein function with a negative predictive value of 80%. In summary, the available evidence is currently insufficient to determine the role of this variant in disease. Therefore, it has been classified as a Variant of Uncertain Significance.

NM_030665.4(RAI1):c.3488C>T (p.Pro1163Leu)

Gene: RAI1 (retinoic acid induced 1; plus strand). Cytogenetic location: 17p11.2.
Variant type: single nucleotide variant.
Coding change: c.3488C>T on transcript NM_030665.4 (MANE Select); coding-DNA position 3488, C replaced by T.
Protein change: p.Pro1163Leu; replaces proline 1163 with leucine.
Molecular consequence: missense variant.
Genome position (GRCh38, 1-based): chr17:17,796,436, C>T. VCF-style: chr17-17796436-C-T. GRCh37 (hg19) VCF-style: chr17-17699750-C-T.
Other names: short protein forms P1163L.
Identifiers: ClinVar variation 2120637 (VCV002120637.4), dbSNP rs2508587235, ClinGen allele CA398553948.